The following is an entry in ClinVar:

ClinVar aggregate classification (germline): Uncertain significance (1 of 4 stars; one submission).

Submission:

Labcorp Genetics (formerly Invitae), Labcorp
Classification: Uncertain significance. Last evaluated: 2023-12-12. Review status: criteria provided, single submitter. Criteria: Invitae Variant Classification Sherloc (09022015). Collection method: clinical testing. Allele origin: germline.
Comment: This sequence change replaces glycine, which is neutral and non-polar, with valine, which is neutral and non-polar, at codon 1026 of the NNT protein (p.Gly1026Val). This variant is not present in population databases (gnomAD no frequency). This variant has not been reported in the literature in individuals affected with NNT-related conditions. An algorithm developed to predict the effect of missense changes on protein structure and function (PolyPhen-2) suggests that this variant is likely to be disruptive. In summary, the available evidence is currently insufficient to determine the role of this variant in disease. Therefore, it has been classified as a Variant of Uncertain Significance.

NM_182977.3(NNT):c.3077G>T (p.Gly1026Val)

Gene: NNT (nicotinamide nucleotide transhydrogenase; plus strand). Cytogenetic location: 5p12.
Variant type: single nucleotide variant.
Coding change: c.3077G>T on transcript NM_182977.3 (MANE Select); coding-DNA position 3077, G replaced by T.
Protein change: p.Gly1026Val; replaces glycine 1026 with valine.
Molecular consequence: missense variant.
Genome position (GRCh38, 1-based): chr5:43,702,702, G>T. VCF-style: chr5-43702702-G-T. GRCh37 (hg19) VCF-style: chr5-43702804-G-T.
Other names: c.2684G>T, p.Gly895Val (NM_001331026.2); c.3077G>T, p.Gly1026Val (NM_012343.4); short protein forms G1026V, G895V.
Identifiers: ClinVar variation 2702616 (VCV002702616.3), dbSNP rs2478207936, ClinGen allele CA359655134.